The following is an entry in ClinVar:

NM_001079675.5(ETV4):c.1309C>T (p.Arg437Cys)

Genes: DHX8 (DEAH-box helicase 8; plus strand), ETV4 (ETS variant transcription factor 4; minus strand). Cytogenetic location: 17q21.31.
Variant type: single nucleotide variant.
Coding change: c.1309C>T on transcript NM_001079675.5 (MANE Select); coding-DNA position 1309, C replaced by T.
Protein change: p.Arg437Cys; replaces arginine 437 with cysteine.
Molecular consequence: missense variant. On other transcripts: intron variant (1).
Genome position (GRCh38, 1-based): chr17:43,528,665, G>A on the plus strand (C>T on the coding strand, the complement: ETV4 is on the minus strand). VCF-style: chr17-43528665-G-A. GRCh37 (hg19) VCF-style: chr17-41606033-G-A.
Other names: c.1306C>T, p.Arg436Cys (NM_001369367.2); c.1294C>T, p.Arg432Cys (NM_001369368.2); c.1309C>T, p.Arg437Cys (NM_001986.4, NM_001369366.2); c.3443+6439G>A (NM_001322219.2); c.1192C>T, p.Arg398Cys (NM_001261437.3, NM_001261438.3); c.478C>T, p.Arg160Cys (NM_001261439.3); short protein forms R160C, R398C, R432C, R436C, R437C.
Identifiers: ClinVar variation 2647814 (VCV002647814.22), dbSNP rs34260468, ClinGen allele CA8592070.

ClinVar aggregate classification (germline): Benign (1 of 4 stars; one submission).

Allele frequency attached by ClinVar (database versions not stated): ExAC 0.00758; gnomAD exomes 0.01203; 1000 Genomes Project 0.00260; gnomAD 0.00752; TOPMed 0.00795; 1000 Genomes Project 30x 0.00250; ESP Exome Variant Server 0.00884.
gnomAD v4.1: 18,748 of 1,614,178 alleles (1.2%); highest among the groups gnomAD compares: Middle Eastern, 1.5%; 147 homozygotes.

Submission:

CeGaT Center for Human Genetics Tuebingen
Classification: Benign. Last evaluated: 2022-08-01. Review status: criteria provided, single submitter. Criteria: CeGaT Center For Human Genetics Tuebingen Variant Classification Criteria Version 2. Collection method: clinical testing. Allele origin: germline. Affected: yes. Observed: 1 variant allele.
Comment: ETV4: BS1, BS2